The following is an entry in ClinVar:

ClinVar aggregate classification (germline): Pathogenic (1 of 4 stars; one submission).

Conditions:
ERCC2-related disorder. Also called: ERCC2-related conditions; ERCC2-related condition; ERCC2-related disorders. Identifiers: MedGen CN239291.

Submission:

Myriad Genetics, Inc.
Classification: Pathogenic for ERCC2-related disorder. Last evaluated: 2026-03-19. Review status: criteria provided, single submitter. Criteria: Myriad Autosomal Dominant, Autosomal Recessive and X-Linked Classification Criteria (2023). Collection method: clinical testing. Allele origin: unknown.
Comment: NM_000400.3(ERCC2):c.924delC(V309Cfs*25) is expected to be pathogenic in the context of ERCC2-related disorders. This variant is predicted to lead to an abnormal or absent protein product due to the creation of a premature termination codon in ERCC2, a gene where loss-of-function variants are known to be pathogenic. Please note: this variant was assessed in the context of healthy population screening.

NM_000400.4(ERCC2):c.924del (p.Val309fs)

Gene: ERCC2 (ERCC excision repair 2, TFIIH core complex helicase subunit; minus strand). Cytogenetic location: 19q13.32.
Variant type: Deletion.
Coding change: c.924del on transcript NM_000400.4 (MANE Select); coding-DNA position 924, one base deleted (C; older notation c.924delC).
Protein change: p.Val309fs; shifts the reading frame from valine 309.
Molecular consequence: frameshift variant. On other transcripts: non-coding transcript variant (3).
Genome position (GRCh38, 1-based): chr19:45,364,011, G deleted on the plus strand (C on the coding strand, the reverse complement: ERCC2 is on the minus strand); the first of 4 consecutive G bases (chr19:45,364,011-45,364,014); deleting any one gives the same sequence. VCF-style (leftmost placement, unchanged base first): chr19-45364010-CG-C. GRCh37 (hg19) VCF-style: chr19-45867268-CG-C.
Other names: c.852del, p.Val285fs (NM_001130867.2, NM_001440355.1); c.846del, p.Val283fs (NM_001440356.1); c.801del, p.Val268fs (NM_001440357.1); short protein forms V268fs, V283fs, V285fs, V309fs.
Identifiers: ClinVar variation 5015694 (VCV005015694.1).
Genomic context (GRCh38, chr19:45,364,010, plus strand): 5'-AAAGGGACTGGGGGGCAGCGGGGGGTCGGGGCTCACCCTGCAGCACTTCGTCGGGCAGCA[CG>C]GGGTTGGCCAGGTGGGCGTCCGTCTCCCGGGCGGCGCTGGCCTCCCGCAGCCCCTCCACC-3'